The following is an entry in ClinVar:

NM_001291303.3(FAT4):c.13209G>A (p.Pro4403=)

Gene: FAT4 (FAT atypical cadherin 4; plus strand). Cytogenetic location: 4q28.1.
Variant type: single nucleotide variant.
Coding change: c.13209G>A on transcript NM_001291303.3 (MANE Select); coding-DNA position 13209, G replaced by A.
Protein change: p.Pro4403=; no amino-acid change (proline 4403 retained).
Molecular consequence: synonymous variant.
Genome position (GRCh38, 1-based): chr4:125,490,025, G>A. VCF-style: chr4-125490025-G-A. GRCh37 (hg19) VCF-style: chr4-126411180-G-A.
Other names: c.13206G>A, p.Pro4402= (NM_001291285.3); c.13203G>A (NM_024582.4); c.13203G>A, p.Pro4401= (NM_024582.6).
Identifiers: ClinVar variation 1551550 (VCV001551550.11), dbSNP rs763983959, ClinGen allele CA3074324.

ClinVar aggregate classification (germline): Likely benign. Review status: criteria provided, multiple submitters, no conflicts (2 of 4 stars). 3 submissions from 3 submitters: Likely benign (2). 1 of the submissions does not count toward it. Last evaluated 2025-11-06.

Conditions:
FAT4-related disorder. Also called: FAT4-related condition.

Allele frequency attached by ClinVar (database versions not stated): gnomAD exomes 0.00001 and 0.00002; ExAC 0.00002; gnomAD 0.00002.
gnomAD v4.1: 24 of 1,613,760 alleles (0.0015%); highest among the groups gnomAD compares: East Asian, 0.0067%; no homozygotes.

Submissions (3):

Labcorp Genetics (formerly Invitae), Labcorp
Classification: Likely benign. Last evaluated: 2025-11-06. Review status: criteria provided, single submitter. Criteria: Invitae Variant Classification Sherloc (09022015). Collection method: clinical testing. Allele origin: germline.

Blueprint Genetics
Classification: Likely benign. Last evaluated: 2024-09-20. Review status: criteria provided, single submitter. Criteria: ACMG Guidelines, 2015. Collection method: clinical testing. Allele origin: germline.

PreventionGenetics, part of Exact Sciences
Classification: Likely benign for FAT4-related condition. Last evaluated: 2020-07-17. Review status: no assertion criteria provided. Collection method: clinical testing. Allele origin: germline. Not counted in ClinVar's aggregate classification.
Comment: This variant is classified as likely benign based on ACMG/AMP sequence variant interpretation guidelines (Richards et al. 2015 PMID: 25741868, with internal and published modifications).